The following is an entry in ClinVar:

ClinVar aggregate classification (germline): Uncertain significance. Review status: criteria provided, multiple submitters, no conflicts (2 of 4 stars). 2 submissions from 2 submitters: Uncertain significance (2). Last evaluated 2025-11-04.

Conditions:
TTN-related disorder. Also called: TTN-related condition; TTN-related disease; TTN-related disorders.
Dilated cardiomyopathy 1G (CMD1G). Identifiers: Orphanet 154, MedGen C1858763, MONDO:0011400, OMIM 604145.

Allele frequency attached by ClinVar (database versions not stated): gnomAD exomes 0.00001; ExAC 0.00003; TOPMed 0.00009; gnomAD 0.00011; 1000 Genomes Project 30x 0.00016; ESP Exome Variant Server 0.00017; 1000 Genomes Project 0.00020.
gnomAD v4.1: 23 of 1,613,026 alleles (0.0014%); highest among the groups gnomAD compares: African/African-American, 0.024%; no homozygotes.

Submissions (2):

PreventionGenetics, part of Exact Sciences
Classification: Uncertain significance for TTN-related condition. Last evaluated: 2025-11-04. Review status: criteria provided, single submitter. Criteria: ACMG Guidelines, 2015. Collection method: clinical testing. Allele origin: germline.
Comment: The TTN c.20485G>A variant is predicted to result in the amino acid substitution p.Gly6829Ser. To our knowledge, this variant has not been reported in the literature. This variant is reported in 0.017% of alleles in individuals of African descent in gnomAD. At this time, the clinical significance of this variant is uncertain due to the absence of conclusive functional and genetic evidence.

Baylor Genetics
Classification: Uncertain significance for Dilated cardiomyopathy 1G. Last evaluated: 2020-05-05. Review status: criteria provided, single submitter. Criteria: ACMG Guidelines, 2015. Collection method: clinical testing. Allele origin: unknown. Affected: yes.
Comment: This variant was determined to be of uncertain significance according to ACMG Guidelines, 2015 [PMID:25741868].

NM_001267550.2(TTN):c.20485G>A (p.Gly6829Ser)

Gene: TTN (titin; minus strand). Cytogenetic location: 2q31.2.
Variant type: single nucleotide variant.
Coding change: c.20485G>A on transcript NM_001267550.2 (MANE Select); coding-DNA position 20485, G replaced by A.
Protein change: p.Gly6829Ser; replaces glycine 6829 with serine.
Molecular consequence: missense variant. On other transcripts: intron variant (3).
Genome position (GRCh38, 1-based): chr2:178,725,837, C>T on the plus strand (G>A on the coding strand, the complement: TTN is on the minus strand). VCF-style: chr2-178725837-C-T. GRCh37 (hg19) VCF-style: chr2-179590564-C-T.
Other names: c.19534G>A, p.Gly6512Ser (NM_001256850.1); c.16753G>A, p.Gly5585Ser (NM_133378.4); c.13282+12245G>A (NM_003319.4); c.13858+12245G>A (NM_133437.4); c.13657+12245G>A (NM_133432.3); short protein forms G6512S, G6829S, G5585S.
Identifiers: ClinVar variation 1030132 (VCV001030132.2), dbSNP rs139549363, ClinGen allele CA2001209.